The following is an entry in ClinVar:

NM_022574.4:c.195dupC

Gene: GIGYF1 (GRB10 interacting GYF protein 1; minus strand).
Variant type: Duplication.
Identifiers: ClinVar variation 4671841 (VCV004671841.1).

ClinVar aggregate classification (germline): Pathogenic (1 of 4 stars; one submission).

Submission:

Ambry Genetics
Classification: Pathogenic. Last evaluated: 2025-12-07. Review status: criteria provided, single submitter. Criteria: Ambry Variant Classification Scheme 2023. Collection method: clinical testing. Allele origin: germline.
Comment: The c.195dupC (p.A66Rfs*19) alteration, located in coding exon 3 of the GIGYF1 gene, consists of a duplication of C at position 195, causing a translational frameshift with a predicted alternate stop codon after 19 amino acids. This alteration is expected to result in loss of function by premature protein truncation or nonsense-mediated mRNA decay. This variant was not reported in population-based cohorts in the Genome Aggregation Database (gnomAD). Based on the available evidence, this alteration is classified as pathogenic.